The following is an entry in ClinVar:

ClinVar aggregate classification (germline): Benign. Review status: criteria provided, multiple submitters, no conflicts (2 of 4 stars). 4 submissions from 4 submitters: Benign (3). 1 of the submissions does not count toward it. Last evaluated 2023-07-13.

Conditions:
TAF15-related disorder. Also called: TAF15-related condition.

Allele frequency attached by ClinVar (database versions not stated): gnomAD exomes 0.00052 and 0.00145; 1000 Genomes Project 0.00499; TOPMed 0.00594; ESP Exome Variant Server 0.00669; gnomAD 0.00510 and 0.00553; 1000 Genomes Project 30x 0.00531; ExAC 0.00173.
gnomAD v4.1: 1,545 of 1,613,090 alleles (0.096%); highest among the groups gnomAD compares: African/African-American, 1.8%; 16 homozygotes.

Submissions (4):

Mayo Clinic Laboratories, Mayo Clinic
Classification: Benign. Last evaluated: 2023-07-13. Review status: criteria provided, single submitter. Criteria: ACMG Guidelines, 2015. Collection method: clinical testing. Allele origin: germline. Observed: 4 variant alleles.
Comment: BS1, BS2, BP4

Labcorp Genetics (formerly Invitae), Labcorp
Classification: Benign. Last evaluated: 2019-12-31. Review status: criteria provided, single submitter. Criteria: Invitae Variant Classification Sherloc (09022015). Collection method: clinical testing. Allele origin: germline.

Breakthrough Genomics
Classification: Benign. Review status: criteria provided, single submitter. Criteria: ACMG Guidelines, 2015. Collection method: not provided. Allele origin: germline. Inheritance: Unknown mechanism. Affected: yes.

PreventionGenetics, part of Exact Sciences
Classification: Benign for TAF15-related condition. Last evaluated: 2019-11-14. Review status: no assertion criteria provided. Collection method: clinical testing. Allele origin: germline. Not counted in ClinVar's aggregate classification.
Comment: This variant is classified as benign based on ACMG/AMP sequence variant interpretation guidelines (Richards et al. 2015 PMID: 25741868, with internal and published modifications).

NM_139215.3(TAF15):c.1624G>A (p.Gly542Ser)

Gene: TAF15 (TATA-box binding protein associated factor 15; plus strand). Cytogenetic location: 17q12.
Variant type: single nucleotide variant.
Coding change: c.1624G>A on transcript NM_139215.3 (MANE Select); coding-DNA position 1624, G replaced by A.
Protein change: p.Gly542Ser; replaces glycine 542 with serine.
Molecular consequence: missense variant.
Genome position (GRCh38, 1-based): chr17:35,844,923, G>A. VCF-style: chr17-35844923-G-A. GRCh37 (hg19) VCF-style: chr17-34171927-G-A.
Other names: p.Gly542Ser; c.1615G>A, p.Gly539Ser (NM_003487.4); short protein forms G542S, G539S.
Identifiers: ClinVar variation 720756 (VCV000720756.8), dbSNP rs114353269, ClinGen allele CA290041703.